The following is an entry in ClinVar:

NM_018122.5(DARS2):c.742C>T (p.Gln248Ter)

Gene: DARS2 (aspartyl-tRNA synthetase 2, mitochondrial; plus strand). Cytogenetic location: 1q25.1.
Variant type: single nucleotide variant.
Coding change: c.742C>T on transcript NM_018122.5 (MANE Select); coding-DNA position 742, C replaced by T.
Protein change: p.Gln248Ter; replaces glutamine 248 with a stop codon.
Molecular consequence: nonsense.
Genome position (GRCh38, 1-based): chr1:173,837,018, C>T. VCF-style: chr1-173837018-C-T. GRCh37 (hg19) VCF-style: chr1-173806156-C-T.
Other names: NM_018122.5(DARS2):c.742C>T; p.Gln248Ter; c.742C>T, p.Gln248Ter (NM_001365212.1, NM_001365213.2); short protein forms Q248*.
Identifiers: ClinVar variation 1188833 (VCV001188833.5), dbSNP rs772489337, ClinGen allele CA343762080.

ClinVar aggregate classification (germline): Pathogenic/Likely pathogenic. Review status: criteria provided, multiple submitters, no conflicts (2 of 4 stars). 3 submissions from 3 submitters: Pathogenic (1); Likely pathogenic (1). 1 of the submissions does not count toward it. Last evaluated 2025-01-21.

Conditions:
Leukoencephalopathy with brain stem and spinal cord involvement-high lactate syndrome (LBSL). Also called: LEUKOENCEPHALOPATHY WITH BRAINSTEM AND SPINAL CORD INVOLVEMENT AND LACTATE ELEVATION, MILD; MITOCHONDRIAL ASPARTYL-tRNA SYNTHETASE DEFICIENCY; Leukoencephalopathy with Brainstem and Spinal Cord Involvement and Lactate Elevation. Identifiers: Orphanet 137898, MedGen C1970180, MONDO:0012622, OMIM 611105.

gnomAD v4.1: 1 of 1,613,904 alleles (0.000062%); highest among the groups gnomAD compares: Non-Finnish European, 0.000085%; no homozygotes.

Submissions (3):

Broad Center for Mendelian Genomics, Broad Institute of MIT and Harvard
Classification: Likely pathogenic for Leukoencephalopathy with brain stem and spinal cord involvement-high lactate syndrome. Last evaluated: 2025-01-21. Review status: criteria provided, single submitter. Criteria: ACMG Guidelines, 2015. Collection method: curation. Allele origin: germline. Inheritance: Autosomal recessive inheritance.
Comment: The p.Gln248Ter variant in DARS2 has been reported in 1 individual with leukoencephalopathy with brain stem and spinal cord involvement-high lactate syndrome (PMID: 33977142), and has been identified in 0.00009% (1/1179940) of European (non-Finnish) chromosomes by the Genome Aggregation Database (gnomAD; dbSNP rs772489337). Although this variant has been seen in the general population in a heterozygous state, its frequency is low enough to be consistent with a recessive carrier frequency. This variant has also been reported in ClinVar (Variation ID: 1188833) and has been interpreted as pathogenic by GeneDx and Gene Discovery Core-Manton Center (Boston Children's Hospital). This nonsense variant leads to a premature termination codon at position 248, which is predicted to lead to a truncated or absent protein. Loss of function of the DARS2 gene is an established disease mechanism in autosomal recessive leukoencephalopathy with brain stem and spinal cord involvement-high lactate syndrome. In summary, although additional studies are required to fully establish its clinical significance, this variant is likely pathogenic for autosomal recessive leukoencephalopathy with brain stem and spinal cord involvement-high lactate syndrome. ACMG/AMP Criteria applied: PVS1, PM2_supporting (Richards 2015).

GeneDx
Classification: Pathogenic. Last evaluated: 2019-07-31. Review status: criteria provided, single submitter. Criteria: GeneDx Variant Classification Process June 2021. Collection method: clinical testing. Allele origin: germline. Affected: yes.
Comment: Nonsense variant predicted to result in protein truncation or nonsense mediated decay in a gene for which loss-of-function is a known mechanism of disease; Not observed at a significant frequency in large population cohorts (Lek et al., 2016); Has not been previously published as pathogenic or benign to our knowledge

Gene Discovery Core-Manton Center, Boston Children's Hospital
Classification: Pathogenic for Leukoencephalopathy with brain stem and spinal cord involvement-high lactate syndrome. Last evaluated: 2020-02-14. Review status: no assertion criteria provided. Collection method: research. Allele origin: germline. Affected: yes. Not counted in ClinVar's aggregate classification.
Comment: This variant is interpretted as Pathogenic for Leukoencephalopathy, brain & spine involvement, lactate elevation; Autosomal recessive; PVS1 - null variant (nonsense, frameshift, canonical splice sites, initiation codon, single or multiexon deletion) in a gene where LOF is a known mechanism of disease. PM2 - Absent from controls (or at extremely low frequency if recessive) in Exome Sequencing Project, 1000 Genomes Project, or Exome Aggregation Consortium. PP3 - Multiple lines of computational evidence support a deleterious effect on the gene or gene product